The following is an entry in ClinVar:

ClinVar aggregate classification (germline): Uncertain significance (1 of 4 stars; one submission).

Conditions:
Congenital contractural arachnodactyly (CCA). Also called: Beals-Hecht syndrome; BEALS SYNDROME; Arthrogryposis, distal, type 9. Identifiers: Orphanet 115, MedGen C0220668, MONDO:0007363, OMIM 121050.

Allele frequency attached by ClinVar (database versions not stated): TOPMed below 0.00001.

Submission:

Labcorp Genetics (formerly Invitae), Labcorp
Classification: Uncertain significance for Congenital contractural arachnodactyly. Last evaluated: 2025-09-10. Review status: criteria provided, single submitter. Criteria: Invitae Variant Classification Sherloc (09022015). Collection method: clinical testing. Allele origin: germline.
Comment: This sequence change replaces glycine, which is neutral and non-polar, with arginine, which is basic and polar, at codon 1401 of the FBN2 protein (p.Gly1401Arg). This variant is not present in population databases (gnomAD no frequency). This variant has not been reported in the literature in individuals affected with FBN2-related conditions. ClinVar contains an entry for this variant (Variation ID: 574571). Invitae Evidence Modeling of protein sequence and biophysical properties (such as structural, functional, and spatial information, amino acid conservation, physicochemical variation, residue mobility, and thermodynamic stability) indicates that this missense variant is expected to disrupt FBN2 protein function with a positive predictive value of 80%. In summary, the available evidence is currently insufficient to determine the role of this variant in disease. Therefore, it has been classified as a Variant of Uncertain Significance.

NM_001999.4(FBN2):c.4201G>C (p.Gly1401Arg)

Gene: FBN2 (fibrillin 2; minus strand). Cytogenetic location: 5q23.3.
Variant type: single nucleotide variant.
Coding change: c.4201G>C on transcript NM_001999.4 (MANE Select); coding-DNA position 4201, G replaced by C.
Protein change: p.Gly1401Arg; replaces glycine 1401 with arginine.
Molecular consequence: missense variant.
Genome position (GRCh38, 1-based): chr5:128,332,933, C>G on the plus strand (G>C on the coding strand, the complement: FBN2 is on the minus strand). VCF-style: chr5-128332933-C-G. GRCh37 (hg19) VCF-style: chr5-127668625-C-G.
Other names: short protein forms G1401R.
Identifiers: ClinVar variation 574571 (VCV000574571.2), dbSNP rs1554122552, ClinGen allele CA360754706.